The following is an entry in ClinVar:

ClinVar aggregate classification (germline): Uncertain significance (1 of 4 stars; one submission).

gnomAD v4.1: 112 of 1,614,064 alleles (0.0069%); highest among the groups gnomAD compares: South Asian, 0.12%; no homozygotes.

Submission:

Labcorp Genetics (formerly Invitae), Labcorp
Classification: Uncertain significance. Last evaluated: 2025-12-26. Review status: criteria provided, single submitter. Criteria: Invitae Variant Classification Sherloc (09022015). Collection method: clinical testing. Allele origin: germline.
Comment: This sequence change replaces lysine, which is basic and polar, with arginine, which is basic and polar, at codon 90 of the SIAE protein (p.Lys90Arg). This variant is present in population databases (rs755738548, gnomAD 0.09%), and has an allele count higher than expected for a pathogenic variant. This variant has not been reported in the literature in individuals affected with SIAE-related conditions. An algorithm developed to predict the effect of missense changes on protein structure and function outputs the following: PolyPhen-2: "Benign". The arginine amino acid residue is found in multiple mammalian species, which suggests that this missense change does not adversely affect protein function. In summary, the available evidence is currently insufficient to determine the role of this variant in disease. Therefore, it has been classified as a Variant of Uncertain Significance.

NM_170601.5(SIAE):c.269A>G (p.Lys90Arg)

Gene: SIAE (sialic acid acetylesterase; minus strand). Cytogenetic location: 11q24.2.
Variant type: single nucleotide variant.
Coding change: c.269A>G on transcript NM_170601.5 (MANE Select); coding-DNA position 269, A replaced by G.
Protein change: p.Lys90Arg; replaces lysine 90 with arginine.
Molecular consequence: missense variant.
Genome position (GRCh38, 1-based): chr11:124,660,764, T>C on the plus strand (A>G on the coding strand, the complement: SIAE is on the minus strand). VCF-style: chr11-124660764-T-C. GRCh37 (hg19) VCF-style: chr11-124530660-T-C.
Other names: c.164A>G, p.Lys55Arg (NM_001199922.2); short protein forms K90R, K55R.
Identifiers: ClinVar variation 4707161 (VCV004707161.1).